The following is an entry in ClinVar:

NM_177924.5(ASAH1):c.4C>T (p.Pro2Ser)

Genes: ASAH1 (N-acylsphingosine amidohydrolase 1; minus strand), LOC129999940 (ATAC-STARR-seq lymphoblastoid silent region 18966; plus strand). Cytogenetic location: 8p22.
Variant type: single nucleotide variant.
Coding change: c.4C>T on transcript NM_177924.5 (MANE Select); coding-DNA position 4, C replaced by T.
Protein change: p.Pro2Ser; replaces proline 2 with serine.
Molecular consequence: missense variant. On other transcripts: intron variant (2).
Genome position (GRCh38, 1-based): chr8:18,084,055, G>A on the plus strand (C>T on the coding strand, the complement: ASAH1 is on the minus strand). VCF-style: chr8-18084055-G-A. GRCh37 (hg19) VCF-style: chr8-17941564-G-A.
Other names: c.126+621C>T (NM_004315.6, NM_001127505.3); short protein forms P2S.
Identifiers: ClinVar variation 1952905 (VCV001952905.2), dbSNP rs1372823767, ClinGen allele CA370435932.

ClinVar aggregate classification (germline): Uncertain significance (1 of 4 stars; one submission).

Submission:

Labcorp Genetics (formerly Invitae), Labcorp
Classification: Uncertain significance. Last evaluated: 2022-04-20. Review status: criteria provided, single submitter. Criteria: Invitae Variant Classification Sherloc (09022015). Collection method: clinical testing. Allele origin: germline.
Comment: This sequence change replaces proline, which is neutral and non-polar, with serine, which is neutral and polar, at codon 2 of the ASAH1 protein (p.Pro2Ser). The frequency data for this variant in the population databases is considered unreliable, as metrics indicate poor data quality at this position in the gnomAD database. This variant has not been reported in the literature in individuals affected with ASAH1-related conditions. Algorithms developed to predict the effect of missense changes on protein structure and function (SIFT, PolyPhen-2, Align-GVGD) all suggest that this variant is likely to be tolerated. In summary, the available evidence is currently insufficient to determine the role of this variant in disease. Therefore, it has been classified as a Variant of Uncertain Significance.